The following is an entry in ClinVar:

NM_001191061.2(SLC25A22):c.294-3C>A

Gene: SLC25A22 (solute carrier family 25 member 22; minus strand). Cytogenetic location: 11p15.5.
Variant type: single nucleotide variant.
Coding change: c.294-3C>A on transcript NM_001191061.2 (MANE Select); 3 bases into the intron before coding-DNA position 294, C replaced by A.
Molecular consequence: intron variant.
Genome position (GRCh38, 1-based): chr11:792,991, G>T on the plus strand (C>A on the coding strand, the complement: SLC25A22 is on the minus strand). VCF-style: chr11-792991-G-T. GRCh37 (hg19) VCF-style: chr11-792991-G-T.
Other names: c.294-3C>A (NM_001191060.2, NM_024698.6).
Identifiers: ClinVar variation 2050001 (VCV002050001.4), dbSNP rs1864619302, ClinGen allele CA2580083899.

ClinVar aggregate classification (germline): Uncertain significance (1 of 4 stars; one submission).

Conditions:
Early-infantile DEE. Also called: Early infantile epileptic encephalopathy; Ohtahara syndrome; Early infantile epileptic encephalopathy with suppression bursts. Identifiers: Orphanet 1934, MedGen C0393706, MONDO:0800491.

Submission:

Labcorp Genetics (formerly Invitae), Labcorp
Classification: Uncertain significance for Early-infantile DEE. Last evaluated: 2023-06-13. Review status: criteria provided, single submitter. Criteria: Invitae Variant Classification Sherloc (09022015). Collection method: clinical testing. Allele origin: germline.
Comment: In summary, the available evidence is currently insufficient to determine the role of this variant in disease. Therefore, it has been classified as a Variant of Uncertain Significance. Variants that disrupt the consensus splice site are a relatively common cause of aberrant splicing (PMID: 17576681, 9536098). Algorithms developed to predict the effect of sequence changes on RNA splicing suggest that this variant is not likely to affect RNA splicing. ClinVar contains an entry for this variant (Variation ID: 2050001). This variant has not been reported in the literature in individuals affected with SLC25A22-related conditions. This variant is not present in population databases (gnomAD no frequency). This sequence change falls in intron 5 of the SLC25A22 gene. It does not directly change the encoded amino acid sequence of the SLC25A22 protein. It affects a nucleotide within the consensus splice site.

Literature cited by the submitters: PubMed 17576681; PubMed 9536098.